The following is an entry in ClinVar:

ClinVar aggregate classification (germline): Pathogenic (1 of 4 stars; one submission).

Conditions:
Hereditary breast ovarian cancer syndrome. Also called: BRCA1- and BRCA2-Associated Hereditary Breast and Ovarian Cancer; Breast and ovarian cancer; Hereditary breast and ovarian cancer syndrome; Hereditary breast and ovarian cancer syndrome (HBOC); Hereditary breast and/or ovarian cancer syndrome; Hereditary breast and ovarian cancer. Identifiers: Orphanet 145, MedGen C0677776, MeSH D061325, MONDO:0003582. Disease mechanism: loss of function.

Submission:

Women's Health and Genetics/Laboratory Corporation of America, LabCorp
Classification: Pathogenic for Hereditary breast ovarian cancer syndrome. Last evaluated: 2026-04-02. Review status: criteria provided, single submitter. Criteria: LabCorp Variant Classification Summary - May 2015. Collection method: clinical testing. Allele origin: germline.
Comment: Variant summary: BRCA1 c.4091dupA (p.Asn1364LysfsX4) results in a premature termination codon, predicted to cause a truncation of the encoded protein or absence of the protein due to nonsense mediated decay, which are commonly known mechanisms for disease. The variant was absent in 250884 control chromosomes. To our knowledge, no occurrence of c.4091dupA in individuals affected with BRCA1-related conditions and no experimental evidence demonstrating its impact on protein function have been reported. No submitters have cited clinical-significance assessments for this variant to ClinVar. Based on the evidence outlined above, the variant was classified as pathogenic.

NM_007294.4(BRCA1):c.4091dup (p.Asn1364fs)

Genes: BRCA1 (BRCA1 DNA repair associated; minus strand), LOC126862571 (BRD4-independent group 4 enhancer GRCh37_chr17:41243136-41244335; plus strand). Cytogenetic location: 17q21.31.
Variant type: Duplication.
Coding change: c.4091dup on transcript NM_007294.4 (MANE Select); coding-DNA position 4091, one base duplicated (A; older notation c.4091dupA).
Protein change: p.Asn1364fs; shifts the reading frame from asparagine 1364.
Molecular consequence: frameshift variant. On other transcripts: intron variant (135).
Genome position (GRCh38, 1-based): chr17:43,091,440, T duplicated on the plus strand (A on the coding strand, the reverse complement: BRCA1 is on the minus strand); the first of 3 consecutive T bases (chr17:43,091,440-43,091,442); duplicating any one gives the same sequence. VCF-style (leftmost placement, unchanged base first): chr17-43091439-G-GT. GRCh37 (hg19) VCF-style: chr17-41243456-G-GT.
Other names: c.4091dupA (NM_007294.4); c.3878dup, p.Asn1293fs (NM_001407571.1, NM_001407917.1, NM_001407918.1 and 9 more transcripts); c.4091dup, p.Asn1364fs (NM_001407581.1, NM_001407582.1, NM_001407583.1 and 30 more transcripts); c.4088dup, p.Asn1363fs (NM_001407587.1, NM_001407610.1, NM_001407611.1 and 22 more transcripts); c.4082dup, p.Asn1361fs (NM_001407647.1, NM_001407646.1); c.3968dup, p.Asn1323fs (NM_001407648.1, NM_001407667.1, NM_001407668.1 and 19 more transcripts); c.3965dup, p.Asn1322fs (NM_001407649.1, NM_001407670.1, NM_001407671.1 and 11 more transcripts); c.4013dup, p.Asn1338fs (NM_001407653.1, NM_001407654.1, NM_001407655.1 and 4 more transcripts); and 42 more; short protein forms N1196fs, N1236fs, N1237fs, N1252fs, N1253fs, N1275fs, N1276fs, N1293fs.
Identifiers: ClinVar variation 4848953 (VCV004848953.1).